The following is an entry in ClinVar:

ClinVar aggregate classification (germline): Pathogenic (1 of 4 stars; one submission).

Conditions:
Neurofibromatosis, type 1 (NF1). Also called: VON RECKLINGHAUSEN DISEASE; NEUROFIBROMATOSIS, TYPE I, SOMATIC; Peripheral type neurofibromatosis; Neurofibromatosis, type I. Identifiers: Orphanet 636, MedGen C0027831, MONDO:0018975, OMIM 162200. Disease mechanism: loss of function.

Submission:

Labcorp Genetics (formerly Invitae), Labcorp
Classification: Pathogenic for Neurofibromatosis, type 1. Last evaluated: 2018-11-20. Review status: criteria provided, single submitter. Criteria: Invitae Variant Classification Sherloc (09022015). Collection method: clinical testing. Allele origin: germline.
Comment: This sequence change creates a premature translational stop signal (p.Gln684Lysfs*6) in the NF1 gene. It is expected to result in an absent or disrupted protein product. This variant is not present in population databases (ExAC no frequency). This variant has not been reported in the literature in individuals with NF1-related disease. Loss-of-function variants in NF1 are known to be pathogenic (PMID: 10712197, 23913538). For these reasons, this variant has been classified as Pathogenic.

NM_001042492.3(NF1):c.2045_2049dup (p.Gln684fs)

Gene: NF1 (neurofibromin 1; plus strand). Cytogenetic location: 17q11.2.
Variant type: Duplication.
Coding change: c.2045_2049dup on transcript NM_001042492.3 (MANE Select); coding-DNA positions 2045 to 2049, 5 bases duplicated (AAGCC; older notation c.2045_2049dupAAGCC).
Protein change: p.Gln684fs; shifts the reading frame from glutamine 684.
Molecular consequence: frameshift variant.
Genome position (GRCh38, 1-based): chr17:31,226,478-31,226,482, AAGCC duplicated; duplicating any 5 consecutive bases within chr17:31,226,477-31,226,482 gives the same sequence; the c. name uses the placement nearest the transcript's 3' end. VCF-style (leftmost placement, unchanged base first): chr17-31226476-A-ACAAGC. GRCh37 (hg19) VCF-style: chr17-29553494-A-ACAAGC.
Other names: c.2045_2049dupAAGCC (NM_000267.3); c.2045_2049dup, p.Gln684Lysfs (NM_000267.4); short protein forms Q684fs.
Identifiers: ClinVar variation 658682 (VCV000658682.1), dbSNP rs1597712398, ClinGen allele CA915949724.